The following is an entry in ClinVar:

NM_001190274.2(FBXO11):c.191C>T (p.Pro64Leu)

Gene: FBXO11 (F-box protein 11; minus strand). Cytogenetic location: 2p16.3.
Variant type: single nucleotide variant.
Coding change: c.191C>T on transcript NM_001190274.2 (MANE Select); coding-DNA position 191, C replaced by T.
Protein change: p.Pro64Leu; replaces proline 64 with leucine.
Molecular consequence: missense variant.
Genome position (GRCh38, 1-based): chr2:47,905,530, G>A on the plus strand (C>T on the coding strand, the complement: FBXO11 is on the minus strand). VCF-style: chr2-47905530-G-A. GRCh37 (hg19) VCF-style: chr2-48132669-G-A.
Other names: short protein forms P64L.
Identifiers: ClinVar variation 1356691 (VCV001356691.8), dbSNP rs989895071, ClinGen allele CA346812545.

ClinVar aggregate classification (germline): Uncertain significance (1 of 4 stars; one submission).

Allele frequency attached by ClinVar (database versions not stated): gnomAD exomes below 0.00001; gnomAD 0.00001.
gnomAD v4.1: 6 of 1,234,990 alleles (0.00049%); highest among the groups gnomAD compares: Non-Finnish European, 0.0006%; no homozygotes.

Submission:

Labcorp Genetics (formerly Invitae), Labcorp
Classification: Uncertain significance. Last evaluated: 2021-05-27. Review status: criteria provided, single submitter. Criteria: Invitae Variant Classification Sherloc (09022015). Collection method: clinical testing. Allele origin: germline.
Comment: In summary, the available evidence is currently insufficient to determine the role of this variant in disease. Therefore, it has been classified as a Variant of Uncertain Significance. Algorithms developed to predict the effect of missense changes on protein structure and function are either unavailable or do not agree on the potential impact of this missense change (SIFT: "Tolerated"; PolyPhen-2: "Not Available"; Align-GVGD: "Class C0"). This variant has not been reported in the literature in individuals with FBXO11-related conditions. The frequency data for this variant in the population databases is considered unreliable, as metrics indicate insufficient coverage at this position in the ExAC database. This sequence change replaces proline with leucine at codon 64 of the FBXO11 protein (p.Pro64Leu). The proline residue is weakly conserved and there is a moderate physicochemical difference between proline and leucine.